The following is an entry in ClinVar:

ClinVar aggregate classification (germline): Uncertain significance (1 of 4 stars; one submission).

Conditions:
Familial temporal lobe epilepsy 7. Identifiers: Orphanet 101046, MedGen C4225327, MONDO:0014639, OMIM 616436.
Norman-Roberts syndrome (LIS2). Also called: Lissencephaly 2 (Norman-Roberts type). Identifiers: Orphanet 89844, MedGen C0796089, MONDO:0009760, OMIM 257320.

Allele frequency attached by ClinVar (database versions not stated): TOPMed below 0.00001; gnomAD 0.00001.
gnomAD v4.1: 1 of 1,614,016 alleles (0.000062%); highest among the groups gnomAD compares: Admixed American, 0.0017%; no homozygotes.

Submission:

Labcorp Genetics (formerly Invitae), Labcorp
Classification: Uncertain significance for Familial temporal lobe epilepsy 7; Norman-Roberts syndrome. Last evaluated: 2024-09-24. Review status: criteria provided, single submitter. Criteria: Invitae Variant Classification Sherloc (09022015). Collection method: clinical testing. Allele origin: germline.
Comment: This sequence change replaces serine, which is neutral and polar, with arginine, which is basic and polar, at codon 2199 of the RELN protein (p.Ser2199Arg). This variant is not present in population databases (gnomAD no frequency). This variant has not been reported in the literature in individuals affected with RELN-related conditions. ClinVar contains an entry for this variant (Variation ID: 1440313). Invitae Evidence Modeling of protein sequence and biophysical properties (such as structural, functional, and spatial information, amino acid conservation, physicochemical variation, residue mobility, and thermodynamic stability) indicates that this missense variant is not expected to disrupt RELN protein function with a negative predictive value of 80%. In summary, the available evidence is currently insufficient to determine the role of this variant in disease. Therefore, it has been classified as a Variant of Uncertain Significance.

NM_005045.4(RELN):c.6597T>A (p.Ser2199Arg)

Gene: RELN (reelin; minus strand). Cytogenetic location: 7q22.1.
Variant type: single nucleotide variant.
Coding change: c.6597T>A on transcript NM_005045.4 (MANE Select); coding-DNA position 6597, T replaced by A.
Protein change: p.Ser2199Arg; replaces serine 2199 with arginine.
Molecular consequence: missense variant.
Genome position (GRCh38, 1-based): chr7:103,542,805, A>T on the plus strand (T>A on the coding strand, the complement: RELN is on the minus strand). VCF-style: chr7-103542805-A-T. GRCh37 (hg19) VCF-style: chr7-103183252-A-T.
Other names: c.6597T>A, p.Ser2199Arg (NM_173054.3); short protein forms S2199R.
Identifiers: ClinVar variation 1440313 (VCV001440313.8), dbSNP rs1353952617, ClinGen allele CA368770417.